The following is an entry in ClinVar:

NM_000428.3(LTBP2):c.2789-2A>T

Gene: LTBP2 (latent transforming growth factor beta binding protein 2; minus strand). Cytogenetic location: 14q24.3.
Variant type: single nucleotide variant.
Coding change: c.2789-2A>T on transcript NM_000428.3 (MANE Select); the canonical splice acceptor site of the intron before coding-DNA position 2789, A replaced by T.
Molecular consequence: splice acceptor variant.
Genome position (GRCh38, 1-based): chr14:74,516,943, T>A on the plus strand (A>T on the coding strand, the complement: LTBP2 is on the minus strand). VCF-style: chr14-74516943-T-A. GRCh37 (hg19) VCF-style: chr14-74983646-T-A.
Identifiers: ClinVar variation 2446229 (VCV002446229.3), dbSNP rs2506144425, ClinGen allele CA390390861.
Genomic context (GRCh38, chr14:74,516,943, plus strand): 5'-CTCGGTGTTGGTGCACTGCCCCCCGCTGCACACCCCTGGCTGCTCACACTCATTGATATC[T>A]GTGAACACACAGAAAAGCCCTGAGTCACAGCCAGCCCTGGAGGATGGTGGAGGGGGCGGG-3'

ClinVar aggregate classification (germline): Likely pathogenic. Review status: criteria provided, multiple submitters, no conflicts (2 of 4 stars). 2 submissions from 2 submitters: Likely pathogenic (2). Last evaluated 2024-11-08.

Allele frequency attached by ClinVar (database versions not stated): gnomAD exomes 0.00001.
gnomAD v4.1: 5 of 1,551,338 alleles (0.00032%); highest among the groups gnomAD compares: Non-Finnish European, 0.00044%; no homozygotes.

Submissions (2):

Labcorp Genetics (formerly Invitae), Labcorp
Classification: Likely pathogenic. Last evaluated: 2024-11-08. Review status: criteria provided, single submitter. Criteria: Invitae Variant Classification Sherloc (09022015). Collection method: clinical testing. Allele origin: germline.
Comment: This sequence change affects an acceptor splice site in intron 17 of the LTBP2 gene. It is expected to disrupt RNA splicing. Variants that disrupt the donor or acceptor splice site typically lead to a loss of protein function (PMID: 16199547), and loss-of-function variants in LTBP2 are known to be pathogenic (PMID: 19361779, 19656777, 22025892). This variant is not present in population databases (gnomAD no frequency). This variant has not been reported in the literature in individuals affected with LTBP2-related conditions. ClinVar contains an entry for this variant (Variation ID: 2446229). Algorithms developed to predict the effect of sequence changes on RNA splicing suggest that this variant may disrupt the consensus splice site. In summary, the currently available evidence indicates that the variant is pathogenic, but additional data are needed to prove that conclusively. Therefore, this variant has been classified as Likely Pathogenic.

GeneDx
Classification: Likely pathogenic. Last evaluated: 2022-09-21. Review status: criteria provided, single submitter. Criteria: GeneDx Variant Classification Process June 2021. Collection method: clinical testing. Allele origin: germline. Affected: yes.
Comment: Canonical splice site variant expected to result in aberrant splicing, although in the absence of functional evidence the actual effect of this sequence change is unknown.; Not observed at significant frequency in large population cohorts (gnomAD); Has not been previously published as pathogenic or benign to our knowledge

Literature cited by the submitters: PubMed 16199547 (cited by Labcorp Genetics (formerly Invitae), Labcorp); PubMed 19361779 (cited by Labcorp Genetics (formerly Invitae), Labcorp); PubMed 19656777 (cited by Labcorp Genetics (formerly Invitae), Labcorp); PubMed 22025892 (cited by Labcorp Genetics (formerly Invitae), Labcorp).